The following is an entry in ClinVar:

NM_001035.3(RYR2):c.8867A>G (p.Tyr2956Cys)

Gene: RYR2 (ryanodine receptor 2; plus strand). Cytogenetic location: 1q43.
Variant type: single nucleotide variant.
Coding change: c.8867A>G on transcript NM_001035.3 (MANE Select); coding-DNA position 8867, A replaced by G.
Protein change: p.Tyr2956Cys; replaces tyrosine 2956 with cysteine.
Molecular consequence: missense variant.
Genome position (GRCh38, 1-based): chr1:237,678,084, A>G. VCF-style: chr1-237678084-A-G. GRCh37 (hg19) VCF-style: chr1-237841384-A-G.
Other names: short protein forms Y2956C.
Identifiers: ClinVar variation 918203 (VCV000918203.4), dbSNP rs1685555977, ClinGen allele CA345403651.

ClinVar aggregate classification (germline): Uncertain significance (1 of 4 stars; one submission).

Conditions:
Cardiomyopathy (CMYO). Also called: Cardiomyopathies. Identifiers: Orphanet 167848, MedGen C0878544, MONDO:0004994, HP:0001638. Inheritance: Various modes of inheritance.

Submission:

Color Diagnostics, LLC DBA Color Health
Classification: Uncertain significance for Cardiomyopathy. Last evaluated: 2024-03-06. Review status: criteria provided, single submitter. Criteria: ACMG Guidelines, 2015. Collection method: clinical testing. Allele origin: germline.
Comment: This missense variant replaces tyrosine with cysteine at codon 2956 of the RYR2 protein. Computational prediction is inconclusive regarding the impact of this variant on protein structure and function (internally defined REVEL score threshold 0.5 < inconclusive < 0.7, PMID: 27666373). Splice site prediction tools suggest that this variant may not impact RNA splicing. To our knowledge, functional studies have not been performed for this variant. This variant has not been reported in individuals affected with cardiovascular disorders in the literature. This variant has not been identified in the general population by the Genome Aggregation Database (gnomAD). The available evidence is insufficient to determine the role of this variant in disease conclusively. Therefore, this variant is classified as a Variant of Uncertain Significance.